The following is an entry in ClinVar:

NC_000005.10:g.112707344C>G

Gene: APC (APC regulator of Wnt signaling pathway; plus strand). Cytogenetic location: 5q22.2.
Variant type: single nucleotide variant.
Genome position: GRCh38 VCF-style: chr5-112707344-C-G. GRCh37 (hg19) VCF-style: chr5-112043041-C-G.
Identifiers: ClinVar variation 1062895 (VCV001062895.8), dbSNP rs2149628038, ClinGen allele CA2499217366.

ClinVar aggregate classification (germline): Uncertain significance (1 of 4 stars; one submission).

Conditions:
Familial adenomatous polyposis 1 (FAP1). Also called: POLYPOSIS, ADENOMATOUS INTESTINAL; FAMILIAL ADENOMATOUS POLYPOSIS 1, ATTENUATED. Identifiers: MedGen C2713442, MONDO:0021056, OMIM 175100. Disease mechanism: loss of function.

Submission:

Labcorp Genetics (formerly Invitae), Labcorp
Classification: Uncertain significance for Familial adenomatous polyposis 1. Last evaluated: 2024-09-23. Review status: criteria provided, single submitter. Criteria: Invitae Variant Classification Sherloc (09022015). Collection method: clinical testing. Allele origin: germline.
Comment: This variant occurs in a non-coding region of the APC gene. It does not change the encoded amino acid sequence of the APC protein. This variant is not present in population databases (gnomAD no frequency). This variant has not been reported in the literature in individuals affected with APC-related conditions. Experimental studies and prediction algorithms are not available or were not evaluated, and the functional significance of this variant is currently unknown. In summary, the available evidence is currently insufficient to determine the role of this variant in disease. Therefore, it has been classified as a Variant of Uncertain Significance.